The following is an entry in ClinVar:

ClinVar aggregate classification (germline): Uncertain significance (1 of 4 stars; one submission).

Conditions:
Hereditary cancer-predisposing syndrome. Also called: Hereditary Cancer Syndrome; Hereditary neoplastic syndrome; Neoplastic Syndromes, Hereditary; Tumor predisposition. Identifiers: Orphanet 140162, MedGen C0027672, MeSH D009386, MONDO:0015356.

Allele frequency attached by ClinVar (database versions not stated): gnomAD 0.00001.
gnomAD v4.1: 1 of 1,613,982 alleles (0.000062%); highest among the groups gnomAD compares: African/African-American, 0.0013%; no homozygotes.

Submission:

Ambry Genetics
Classification: Uncertain significance for Hereditary cancer-predisposing syndrome. Last evaluated: 2026-08-27. Review status: criteria provided, single submitter. Criteria: Ambry Variant Classification Scheme 2023. Collection method: clinical testing. Allele origin: germline.
Comment: The p.G770S variant (also known as c.2308G>A), located in coding exon 4 of the MSH6 gene, results from a G to A substitution at nucleotide position 2308. The glycine at codon 770 is replaced by serine, an amino acid with similar properties. This amino acid position is highly conserved in available vertebrate species. In addition, this alteration is predicted to be deleterious by in silico analysis. Based on the available evidence, the clinical significance of this variant remains unclear.

NM_000179.3(MSH6):c.2308G>A (p.Gly770Ser)

Gene: MSH6 (mutS homolog 6; plus strand). Cytogenetic location: 2p16.3.
Variant type: single nucleotide variant.
Coding change: c.2308G>A on transcript NM_000179.3 (MANE Select); coding-DNA position 2308, G replaced by A.
Protein change: p.Gly770Ser; replaces glycine 770 with serine.
Molecular consequence: missense variant.
Genome position (GRCh38, 1-based): chr2:47,800,291, G>A. VCF-style: chr2-47800291-G-A. GRCh37 (hg19) VCF-style: chr2-48027430-G-A.
Other names: c.1918G>A, p.Gly640Ser (NM_001281492.2); c.1402G>A, p.Gly468Ser (NM_001281493.2, NM_001281494.2, NM_001406811.1 and 6 more transcripts); c.2404G>A, p.Gly802Ser (NM_001406795.1, NM_001406802.1); c.2308G>A, p.Gly770Ser (NM_001406796.1, NM_001406808.1, NM_001406809.1 and 2 more transcripts); c.1783G>A, p.Gly595Ser (NM_001406807.1, NM_001406799.1, NM_001406806.1); c.2314G>A, p.Gly772Ser (NM_001406813.1); c.2011G>A, p.Gly671Ser (NM_001406828.1, NM_001406830.1, NM_001406797.1 and 10 more transcripts); c.2308G>A, p.Asp770Asn (NM_001406803.1); and 2 more; short protein forms D770N, G640S, G671S, G468S, G744S, G770S, G772S, G595S.
Identifiers: ClinVar variation 1789389 (VCV001789389.3), dbSNP rs1669447063, ClinGen allele CA346753103.